The following is an entry in ClinVar:

NM_005909.5(MAP1B):c.3037G>C (p.Ala1013Pro)

Gene: MAP1B (microtubule associated protein 1B; plus strand). Cytogenetic location: 5q13.2.
Variant type: single nucleotide variant.
Coding change: c.3037G>C on transcript NM_005909.5 (MANE Select); coding-DNA position 3037, G replaced by C.
Protein change: p.Ala1013Pro; replaces alanine 1013 with proline.
Molecular consequence: missense variant.
Genome position (GRCh38, 1-based): chr5:72,196,392, G>C. VCF-style: chr5-72196392-G-C. GRCh37 (hg19) VCF-style: chr5-71492219-G-C.
Other names: c.2659G>C, p.Ala887Pro (NM_001324255.2); short protein forms A1013P, A887P.
Identifiers: ClinVar variation 4987912 (VCV004987912.1).

ClinVar aggregate classification (germline): Uncertain significance (1 of 4 stars; one submission).

Conditions:
MAP1B-related disorder. Also called: MAP1B-related condition.

gnomAD v4.1: 5 of 1,614,022 alleles (0.00031%); highest among the groups gnomAD compares: Admixed American, 0.0033%; no homozygotes.

Submission:

PreventionGenetics, part of Exact Sciences
Classification: Uncertain significance for MAP1B-related condition. Last evaluated: 2026-05-31. Review status: criteria provided, single submitter. Criteria: ACMG Guidelines, 2015. Collection method: clinical testing. Allele origin: germline.
Comment: The MAP1B c.3037G>C variant is predicted to result in the amino acid substitution p.Ala1013Pro. To our knowledge, this variant has not been reported in the literature. This variant is reported in 0.0058% of alleles in individuals of Latino descent in gnomAD. At this time, the clinical significance of this variant is uncertain due to the absence of conclusive functional and genetic evidence.